The following is an entry in ClinVar:

ClinVar aggregate classification (germline): Conflicting classifications of pathogenicity. Review status: criteria provided, conflicting classifications (1 of 4 stars). 6 submissions from 6 submitters: Pathogenic (1); Likely pathogenic (1); Uncertain significance (3); Likely benign (1). Last evaluated 2025-11-13.

Conditions:
Charcot-Marie-Tooth disease axonal type 2F (CMT2F). Also called: Charcot-Marie-Tooth Neuropathy Type 2F; CHARCOT-MARIE-TOOTH DISEASE, NEURONAL, TYPE 2F. Identifiers: Orphanet 99940, MedGen C1847823, MONDO:0011687, OMIM 606595.
Neuronopathy, distal hereditary motor, type 2B. Also called: HMN IIB; NEURONOPATHY, DISTAL HEREDITARY MOTOR, AUTOSOMAL DOMINANT 3; NEURONOPATHY, DISTAL HEREDITARY MOTOR, HARDING TYPE IIB; NEUROPATHY, DISTAL HEREDITARY MOTOR, HARDING TYPE IIB. Identifiers: Orphanet 139525, MedGen C2608087, MONDO:0012080, OMIM 608634.
Inborn genetic diseases. Identifiers: MedGen C0950123, MeSH D030342.
Charcot-Marie-Tooth disease. Also called: Charcot-Marie-Tooth Neuropathy; Charcot-Marie-Tooth Hereditary Neuropathy. Identifiers: Orphanet 166, MedGen C0007959, MONDO:0015626.

Allele frequency attached by ClinVar (database versions not stated): gnomAD 0.00003; TOPMed 0.00003; gnomAD exomes 0.00005 and 0.00006; ExAC 0.00007; 1000 Genomes Project 30x 0.00016; 1000 Genomes Project 0.00020.
gnomAD v4.1: 86 of 1,573,300 alleles (0.0055%); highest among the groups gnomAD compares: South Asian, 0.011%; no homozygotes.

Submissions (6):

Clinical Genetics Laboratory, University Hospital Schleswig-Holstein
Classification: Uncertain significance for Charcot-Marie-Tooth disease axonal type 2F. Last evaluated: 2025-11-13. Review status: criteria provided, single submitter. Criteria: ACMG Guidelines, 2015. Collection method: clinical testing. Allele origin: germline. Affected: yes. Observed: 1 heterozygote.
Comment: ACMG criteria applied: PS4_Supporting, PP3, PM1, PS3_Supporting

Labcorp Genetics (formerly Invitae), Labcorp
Classification: Pathogenic for Charcot-Marie-Tooth disease axonal type 2F. Last evaluated: 2025-10-07. Review status: criteria provided, single submitter. Criteria: Invitae Variant Classification Sherloc (09022015). Collection method: clinical testing. Allele origin: germline.
Comment: This sequence change replaces glutamine, which is neutral and polar, with arginine, which is basic and polar, at codon 128 of the HSPB1 protein (p.Gln128Arg). This variant is present in population databases (rs558882005, gnomAD 0.01%). This missense change has been observed in individuals with autosomal dominant HSPB1-related conditions (PMID: 28144995, 31069529; internal data). ClinVar contains an entry for this variant (Variation ID: 360738). Invitae Evidence Modeling of protein sequence and biophysical properties (such as structural, functional, and spatial information, amino acid conservation, physicochemical variation, residue mobility, and thermodynamic stability) indicates that this missense variant is not expected to disrupt HSPB1 protein function with a negative predictive value of 95%. Experimental studies have shown that this missense change affects HSPB1 function (PMID: 28144995). For these reasons, this variant has been classified as Pathogenic.

Illumina Laboratory Services, Illumina
Classification: Uncertain significance for Neuronopathy, distal hereditary motor, type 2B. Last evaluated: 2024-02-01. Review status: criteria provided, single submitter. Criteria: ISL SNV Classification Criteria 03 February 2026. Collection method: clinical testing. Allele origin: unknown.
Comment: The HSPB1 c.383A>G p.(Gln128Arg) missense variant has been reported in an individual with distal motor neuropathy (PMID: 28144995). The highest frequency of this allele in the Genome Aggregation Database is 0.0001109 in the South Asian population (version 4.0.0), which is higher than expected for a pathogenic variant in this gene. Functional studies conducted in human cell lines suggest that the p.(Gln128Arg) variant results in hyperphosphorylation of neurofilaments without causing cytoskeletal disorganization, cytoplasmic aggregation, or increased chaperone activity (PMID: 28144995). Based on the available evidence, the c.383A>G p.(Gln128Arg) variant is classified as a variant of uncertain significance.

Ambry Genetics
Classification: Likely benign for Inborn genetic diseases. Last evaluated: 2021-12-21. Review status: criteria provided, single submitter. Criteria: Ambry Variant Classification Scheme 2023. Collection method: clinical testing. Allele origin: germline.

Biochimie - Maladies Neurologiques Hereditaires, Hospices Civils de Lyon
Classification: Likely pathogenic for Neuronopathy, distal hereditary motor, type 2B. Last evaluated: 2017-02-02. Review status: criteria provided, single submitter. Criteria: ACMG Guidelines, 2015. Collection method: clinical testing. Allele origin: inherited. Affected: yes.
Comment: Article ID: HUMU23189

Molecular Genetics Laboratory, London Health Sciences Centre
Classification: Uncertain significance for Charcot-Marie-Tooth disease. Review status: criteria provided, single submitter. Criteria: ACMG Guidelines, 2015. Collection method: clinical testing. Allele origin: germline. Affected: yes.

Literature cited by the submitters: PubMed 28144995 (cited by 3 submitters); PubMed 31069529 (cited by Labcorp Genetics (formerly Invitae), Labcorp).

NM_001540.5(HSPB1):c.383A>G (p.Gln128Arg)

Gene: HSPB1 (heat shock protein family B (small) member 1; plus strand). Cytogenetic location: 7q11.23.
Variant type: single nucleotide variant.
Coding change: c.383A>G on transcript NM_001540.5 (MANE Select); coding-DNA position 383, A replaced by G.
Protein change: p.Gln128Arg; replaces glutamine 128 with arginine.
Molecular consequence: missense variant.
Genome position (GRCh38, 1-based): chr7:76,303,820, A>G. VCF-style: chr7-76303820-A-G. GRCh37 (hg19) VCF-style: chr7-75933137-A-G.
Other names: c.383A>G (LRG_248t1); short protein forms Q128R.
Identifiers: ClinVar variation 360738 (VCV000360738.19), dbSNP rs558882005, ClinGen allele CA4306372.
Genomic context (GRCh38, chr7:76,303,820, plus strand): 5'-AGTCCCCTCCCCCGCAGTCTGATTTCCCTCTTCCCCCCAAAGGCAAGCACGAGGAGCGGC[A>G]GGACGAGCATGGCTACATCTCCCGGTGCTTCACGCGGAAATACACGTGAGTCCTGGCGCC-3'
Protein context (NP_001531.1, residues 118-138): VEITGKHEER[Gln128Arg]DEHGYISRCF